The following is an entry in ClinVar:

NM_139076.3(ABRAXAS1):c.634G>A (p.Val212Ile)

Gene: ABRAXAS1 (abraxas 1, BRCA1 A complex subunit; minus strand). Cytogenetic location: 4q21.23.
Variant type: single nucleotide variant.
Coding change: c.634G>A on transcript NM_139076.3 (MANE Select); coding-DNA position 634, G replaced by A.
Protein change: p.Val212Ile; replaces valine 212 with isoleucine.
Molecular consequence: missense variant.
Genome position (GRCh38, 1-based): chr4:83,467,501, C>T on the plus strand (G>A on the coding strand, the complement: ABRAXAS1 is on the minus strand). VCF-style: chr4-83467501-C-T. GRCh37 (hg19) VCF-style: chr4-84388654-C-T.
Other names: c.307G>A, p.Val103Ile (NM_001345962.2); short protein forms V103I, V212I.
Identifiers: ClinVar variation 3335044 (VCV003335044.1).

ClinVar aggregate classification (germline): Uncertain significance (1 of 4 stars; one submission).

Submission:

Ambry Genetics
Classification: Uncertain significance. Last evaluated: 2024-06-09. Review status: criteria provided, single submitter. Criteria: Ambry Variant Classification Scheme 2023. Collection method: clinical testing. Allele origin: germline.
Comment: The p.V212I variant (also known as c.634G>A), located in coding exon 7 of the FAM175A gene, results from a G to A substitution at nucleotide position 634. The valine at codon 212 is replaced by isoleucine, an amino acid with highly similar properties. This amino acid position is conserved. In addition, this alteration is predicted to be tolerated by in silico analysis. Based on the available evidence, the clinical significance of this variant remains unclear.